The following is an entry in ClinVar:

NM_007315.4(STAT1):c.71_74dup (p.Ser25fs)

Gene: STAT1 (signal transducer and activator of transcription 1; minus strand). Cytogenetic location: 2q32.2.
Variant type: Duplication.
Coding change: c.71_74dup on transcript NM_007315.4 (MANE Select); coding-DNA positions 71 to 74, 4 bases duplicated (ACAG; older notation c.71_74dupACAG).
Protein change: p.Ser25fs; shifts the reading frame from serine 25.
Molecular consequence: frameshift variant.
Genome position (GRCh38, 1-based): chr2:191,009,930-191,009,933, CTGT duplicated on the plus strand (ACAG on the coding strand, the reverse complement: STAT1 is on the minus strand); duplicating any 4 consecutive bases within chr2:191,009,930-191,009,934 gives the same sequence; the c. name uses the placement nearest the transcript's 3' end. VCF-style (leftmost placement, unchanged base first): chr2-191009929-A-ACTGT. GRCh37 (hg19) VCF-style: chr2-191874655-A-ACTGT.
Other names: c.71_74dup, p.Ser25fs (NM_001384880.1, NM_001384882.1, NM_001384883.1 and 8 more transcripts); c.77_80dup, p.Ser27fs (NM_001384881.1, NM_001384884.1); short protein forms S25fs, S27fs.
Identifiers: ClinVar variation 1457465 (VCV001457465.6), dbSNP rs1382612689, ClinGen allele CA538476686.
Genomic context (GRCh38, chr2:191,009,929, plus strand): 5'-TCCTTACCAGTCTTGCTTTTCTAACCACTGTGCCAGGTACTGTCTGATTTCCATGGGAAA[A>ACTGT]CTGTCATCATAAAGCTGGTGAACCTGCTCCAGGAATTTTGAGTCAAGCTGCTGAAGTTCG-3'

ClinVar aggregate classification (germline): Pathogenic (1 of 4 stars; one submission).

Conditions:
Mendelian susceptibility to mycobacterial diseases due to partial STAT1 deficiency. Also called: IMMUNODEFICIENCY 31A, MYCOBACTERIOSIS, AUTOSOMAL DOMINANT; STAT1 DEFICIENCY, AUTOSOMAL DOMINANT; Immunodeficiency 31a. Identifiers: Orphanet 319595, MedGen C4013950, MONDO:0013956, OMIM 614892.
Autoimmune enteropathy and endocrinopathy - susceptibility to chronic infections syndrome. Also called: Immunodeficiency 31C; Immunodeficiency 31C, autosomal dominant. Identifiers: Orphanet 391487, MedGen C3279990, MONDO:0013599, OMIM 614162.
Immunodeficiency 31B. Also called: IMMUNODEFICIENCY 31B, MYCOBACTERIAL AND VIRAL INFECTIONS, AUTOSOMAL RECESSIVE; STAT1 DEFICIENCY, AUTOSOMAL RECESSIVE. Identifiers: Orphanet 391311, MedGen C3151088, MONDO:0013427, OMIM 613796.

Submission:

Labcorp Genetics (formerly Invitae), Labcorp
Classification: Pathogenic for Mendelian susceptibility to mycobacterial diseases due to partial STAT1 deficiency; Immunodeficiency 31B; Autoimmune enteropathy and endocrinopathy - susceptibility to chronic infections syndrome. Last evaluated: 2022-10-02. Review status: criteria provided, single submitter. Criteria: Invitae Variant Classification Sherloc (09022015). Collection method: clinical testing. Allele origin: germline.
Comment: For these reasons, this variant has been classified as Pathogenic. Algorithms developed to predict the effect of sequence changes on RNA splicing suggest that this variant may create or strengthen a splice site. ClinVar contains an entry for this variant (Variation ID: 1457465). This variant has not been reported in the literature in individuals affected with STAT1-related conditions. This variant is present in population databases (no rsID available, gnomAD 0.007%). This sequence change creates a premature translational stop signal (p.Ser25Argfs*26) in the STAT1 gene. It is expected to result in an absent or disrupted protein product. Loss-of-function variants in STAT1 are known to be pathogenic (PMID: 22651901).

Literature cited by the submitters: PubMed 22651901.